The following is an entry in ClinVar:

ClinVar aggregate classification (germline): Uncertain significance. Review status: criteria provided, multiple submitters, no conflicts (2 of 4 stars). 2 submissions from 2 submitters: Uncertain significance (2). Last evaluated 2021-08-31.

Conditions:
Cardiovascular phenotype. Identifiers: MedGen CN230736.
Catecholaminergic polymorphic ventricular tachycardia 1. Also called: RYR2-Related Catecholaminergic Polymorphic Ventricular Tachycardia; VENTRICULAR TACHYCARDIA, CATECHOLAMINERGIC POLYMORPHIC, 1, WITH OR WITHOUT ATRIAL DYSFUNCTION AND/OR DILATED CARDIOMYOPATHY; VENTRICULAR TACHYCARDIA, STRESS-INDUCED POLYMORPHIC 1. Identifiers: Orphanet 3286, MedGen C1631597, MONDO:0011484, OMIM 604772.

Allele frequency attached by ClinVar (database versions not stated): gnomAD 0.00001; gnomAD exomes 0.00001; TOPMed 0.00001.
gnomAD v4.1: 16 of 1,554,170 alleles (0.001%); highest among the groups gnomAD compares: Middle Eastern, 0.034%; no homozygotes.

Submissions (2):

Labcorp Genetics (formerly Invitae), Labcorp
Classification: Uncertain significance for Catecholaminergic polymorphic ventricular tachycardia 1. Last evaluated: 2021-08-31. Review status: criteria provided, single submitter. Criteria: Invitae Variant Classification Sherloc (09022015). Collection method: clinical testing. Allele origin: germline.
Comment: This sequence change creates a premature translational stop signal (p.Arg271*) in the TRDN gene. However, it is currently unclear if variants that occur in this region of the gene cause disease. This variant is not present in population databases (ExAC no frequency). This variant has not been reported in the literature in individuals affected with TRDN-related conditions. ClinVar contains an entry for this variant (Variation ID: 936559). In summary, the available evidence is currently insufficient to determine the role of this variant in disease. Therefore, it has been classified as a Variant of Uncertain Significance.

Ambry Genetics
Classification: Uncertain significance for Cardiovascular phenotype. Last evaluated: 2019-08-20. Review status: criteria provided, single submitter. Criteria: Ambry Variant Classification Scheme 2023. Collection method: clinical testing. Allele origin: germline.
Comment: The p.R271* variant (also known as c.811C>T), located in coding exon 9 of the TRDN gene, results from a C to T substitution at nucleotide position 811. This changes the amino acid from an arginine to a stop codon within coding exon 9. This alteration is expected to result in loss of function by premature protein truncation or nonsense-mediated mRNA decay. However, this alteration does not impact the predominant cardiac isoform of TRDN (NM_001256021.1; Kobayashi YM et al. J. Biol. Chem., 1999 Oct;274:28660-8). Since supporting evidence is limited at this time, the clinical significance of this alteration remains unclear.

NM_006073.4(TRDN):c.811C>T (p.Arg271Ter)

Gene: TRDN (triadin; minus strand). Cytogenetic location: 6q22.31.
Variant type: single nucleotide variant.
Coding change: c.811C>T on transcript NM_006073.4 (MANE Select); coding-DNA position 811, C replaced by T.
Protein change: p.Arg271Ter; replaces arginine 271 with a stop codon.
Molecular consequence: nonsense. On other transcripts: intron variant (1).
Genome position (GRCh38, 1-based): chr6:123,497,235, G>A on the plus strand (C>T on the coding strand, the complement: TRDN is on the minus strand). VCF-style: chr6-123497235-G-A. GRCh37 (hg19) VCF-style: chr6-123818380-G-A.
Other names: c.811C>T, p.Arg271Ter (NM_001251987.2); c.793+6484C>T (NM_001256020.2); short protein forms R271*.
Identifiers: ClinVar variation 936559 (VCV000936559.10), dbSNP rs1201954479, ClinGen allele CA365567328.